The following is an entry in ClinVar:

ClinVar aggregate classification (germline): Uncertain significance (1 of 4 stars; one submission).

Conditions:
Inborn genetic diseases. Identifiers: MedGen C0950123, MeSH D030342.

gnomAD v4.1: 1 of 1,612,788 alleles (0.000062%); highest among the groups gnomAD compares: Non-Finnish European, 0.000085%; no homozygotes.

Submission:

Ambry Genetics
Classification: Uncertain significance for Inborn genetic diseases. Last evaluated: 2025-05-07. Review status: criteria provided, single submitter. Criteria: Ambry Variant Classification Scheme 2023. Collection method: clinical testing. Allele origin: germline.
Comment: The p.V506I variant (also known as c.1516G>A), located in coding exon 15 of the ANKRD26 gene, results from a G to A substitution at nucleotide position 1516. The valine at codon 506 is replaced by isoleucine, an amino acid with highly similar properties. This amino acid position is conserved. In addition, this alteration is predicted to be tolerated by in silico analysis. Based on the available evidence, the clinical significance of this variant remains unclear.

NM_014915.3(ANKRD26):c.1516G>A (p.Val506Ile)

Gene: ANKRD26 (ankyrin repeat domain containing 26; minus strand). Cytogenetic location: 10p12.1.
Variant type: single nucleotide variant.
Coding change: c.1516G>A on transcript NM_014915.3 (MANE Select); coding-DNA position 1516, G replaced by A.
Protein change: p.Val506Ile; replaces valine 506 with isoleucine.
Molecular consequence: missense variant.
Genome position (GRCh38, 1-based): chr10:27,060,393, C>T on the plus strand (G>A on the coding strand, the complement: ANKRD26 is on the minus strand). VCF-style: chr10-27060393-C-T. GRCh37 (hg19) VCF-style: chr10-27349322-C-T.
Other names: c.1516G>A, p.Val506Ile (NM_001256053.2); short protein forms V506I.
Identifiers: ClinVar variation 3914271 (VCV003914271.1).